The following is an entry in ClinVar:

ClinVar aggregate classification (germline): Uncertain significance (1 of 4 stars; one submission).

gnomAD v4.1: 3 of 1,613,932 alleles (0.00019%); highest among the groups gnomAD compares: Non-Finnish European, 0.00025%; no homozygotes.

Submission:

Labcorp Genetics (formerly Invitae), Labcorp
Classification: Uncertain significance. Last evaluated: 2025-02-06. Review status: criteria provided, single submitter. Criteria: Invitae Variant Classification Sherloc (09022015). Collection method: clinical testing. Allele origin: germline.
Comment: This sequence change replaces proline, which is neutral and non-polar, with arginine, which is basic and polar, at codon 509 of the KLF11 protein (p.Pro509Arg). This variant is not present in population databases (gnomAD no frequency). This variant has not been reported in the literature in individuals affected with KLF11-related conditions. An algorithm developed to predict the effect of missense changes on protein structure and function (PolyPhen-2) suggests that this variant is likely to be disruptive. In summary, the available evidence is currently insufficient to determine the role of this variant in disease. Therefore, it has been classified as a Variant of Uncertain Significance.

NM_003597.5(KLF11):c.1526C>G (p.Pro509Arg)

Gene: KLF11 (KLF transcription factor 11; plus strand). Cytogenetic location: 2p25.1.
Variant type: single nucleotide variant.
Coding change: c.1526C>G on transcript NM_003597.5 (MANE Select); coding-DNA position 1526, C replaced by G.
Protein change: p.Pro509Arg; replaces proline 509 with arginine.
Molecular consequence: missense variant.
Genome position (GRCh38, 1-based): chr2:10,052,494, C>G. VCF-style: chr2-10052494-C-G. GRCh37 (hg19) VCF-style: chr2-10192621-C-G.
Other names: c.1475C>G, p.Pro492Arg (NM_001177716.2, NM_001177718.2); short protein forms P492R, P509R.
Identifiers: ClinVar variation 3618780 (VCV003618780.2).